The following is an entry in ClinVar:

NM_001143854.2(RPH3A):c.1206C>T (p.Tyr402=)

Gene: RPH3A (rabphilin 3A; plus strand). Cytogenetic location: 12q24.13.
Variant type: single nucleotide variant.
Coding change: c.1206C>T on transcript NM_001143854.2 (MANE Select); coding-DNA position 1206, C replaced by T.
Protein change: p.Tyr402=; no amino-acid change (tyrosine 402 retained).
Molecular consequence: synonymous variant. On other transcripts: non-coding transcript variant (2).
Genome position (GRCh38, 1-based): chr12:112,879,153, C>T. VCF-style: chr12-112879153-C-T. GRCh37 (hg19) VCF-style: chr12-113316958-C-T.
Other names: c.1206C>T, p.Tyr402= (NM_001347952.2, NM_001347953.1, NM_001347954.2); c.1005C>T, p.Tyr335= (NM_001347955.2); c.1194C>T, p.Tyr398= (NM_014954.4).
Identifiers: ClinVar variation 4985761 (VCV004985761.1).

ClinVar aggregate classification (germline): Likely benign (1 of 4 stars; one submission).

Conditions:
RPH3A-related condition.

gnomAD v4.1: 385 of 1,614,132 alleles (0.024%); highest among the groups gnomAD compares: African/African-American, 0.3%; 1 homozygote.

Submission:

PreventionGenetics, part of Exact Sciences
Classification: Likely benign for RPH3A-related condition. Last evaluated: 2026-08-04. Review status: criteria provided, single submitter. Criteria: ACMG Guidelines, 2015. Collection method: clinical testing. Allele origin: germline.
Comment: This variant is classified as likely benign based on ACMG/AMP sequence variant interpretation guidelines (Richards et al. 2015 PMID: 25741868, with internal and published modifications).